The following is an entry in ClinVar:

NM_001267550.2(TTN):c.63187+8G>A

Genes: TTN (titin; minus strand), TTN-AS1 (TTN antisense RNA 1; plus strand). Cytogenetic location: 2q31.2.
Variant type: single nucleotide variant.
Coding change: c.63187+8G>A on transcript NM_001267550.2 (MANE Select); 8 bases into the intron after coding-DNA position 63187, G replaced by A.
Molecular consequence: intron variant.
Genome position (GRCh38, 1-based): chr2:178,588,530, C>T on the plus strand (G>A on the coding strand, the complement: TTN is on the minus strand). VCF-style: chr2-178588530-C-T. GRCh37 (hg19) VCF-style: chr2-179453257-C-T.
Other names: c.35992+8G>A (NM_003319.4); c.36568+8G>A (NM_133437.4); c.36367+8G>A (NM_133432.3); c.55483+8G>A (NM_133378.4); c.58264+8G>A (NM_001256850.1).
Identifiers: ClinVar variation 165910 (VCV000165910.15), dbSNP rs727503584, ClinGen allele CA178626.

ClinVar aggregate classification (germline): Likely benign. Review status: criteria provided, multiple submitters, no conflicts (2 of 4 stars). 3 submissions from 3 submitters: Likely benign (3). Last evaluated 2025-09-24.

Conditions:
TTN-related disorder. Also called: TTN-related condition; TTN-related disease; TTN-related disorders.
Dilated cardiomyopathy 1G (CMD1G). Identifiers: Orphanet 154, MedGen C1858763, MONDO:0011400, OMIM 604145.
Autosomal recessive limb-girdle muscular dystrophy type 2J (LGMDR10). Also called: Limb-girdle muscular dystrophy, type 2J; MUSCULAR DYSTROPHY, LIMB-GIRDLE, AUTOSOMAL RECESSIVE 10. Identifiers: Orphanet 140922, MedGen C1837342, MONDO:0012127, OMIM 608807.

Allele frequency attached by ClinVar (database versions not stated): gnomAD exomes 0.00001; gnomAD 0.00002; TOPMed 0.00003.
gnomAD v4.1: 10 of 1,513,048 alleles (0.00066%); highest among the groups gnomAD compares: African/African-American, 0.007%; no homozygotes.

Submissions (3):

Labcorp Genetics (formerly Invitae), Labcorp
Classification: Likely benign for Dilated cardiomyopathy 1G; Autosomal recessive limb-girdle muscular dystrophy type 2J. Last evaluated: 2025-09-24. Review status: criteria provided, single submitter. Criteria: Invitae Variant Classification Sherloc (09022015). Collection method: clinical testing. Allele origin: germline.

PreventionGenetics, part of Exact Sciences
Classification: Likely benign for TTN-related condition. Last evaluated: 2025-09-04. Review status: criteria provided, single submitter. Criteria: ACMG Guidelines, 2015. Collection method: clinical testing. Allele origin: germline.
Comment: This variant is classified as likely benign based on ACMG/AMP sequence variant interpretation guidelines (Richards et al. 2015 PMID: 25741868, with internal and published modifications).

Laboratory for Molecular Medicine, Mass General Brigham Personalized Medicine
Classification: Likely benign. Last evaluated: 2014-06-17. Review status: criteria provided, single submitter. Criteria: LMM Criteria. Collection method: clinical testing. Allele origin: germline. Observed: 1 variant allele.
Comment: 55483+8G>A in exon 253 of TTN: This variant is not expected to have clinical sig nificance because it is not located within the splice consensus sequence